The following is an entry in ClinVar:

ClinVar aggregate classification (germline): Uncertain significance (1 of 4 stars; one submission).

Submission:

GeneDx
Classification: Uncertain significance. Last evaluated: 2025-04-21. Review status: criteria provided, single submitter. Criteria: GeneDx Variant Classification Process June 2021. Collection method: clinical testing. Allele origin: germline. Affected: yes.
Comment: Not observed at significant frequency in large population cohorts (gnomAD); In silico analysis indicates that this missense variant does not alter protein structure/function; Has not been previously published as pathogenic or benign to our knowledge

NM_006567.5(FARS2):c.1120G>A (p.Glu374Lys)

Gene: FARS2 (phenylalanyl-tRNA synthetase 2, mitochondrial; plus strand). Cytogenetic location: 6p25.1.
Variant type: single nucleotide variant.
Coding change: c.1120G>A on transcript NM_006567.5 (MANE Select); coding-DNA position 1120, G replaced by A.
Protein change: p.Glu374Lys; replaces glutamic acid 374 with lysine.
Molecular consequence: missense variant.
Genome position (GRCh38, 1-based): chr6:5,613,223, G>A. VCF-style: chr6-5613223-G-A. GRCh37 (hg19) VCF-style: chr6-5613456-G-A.
Other names: c.1120G>A, p.Glu374Lys (NM_001318872.2, NM_001374875.1, NM_001374876.1 and 4 more transcripts); c.988G>A, p.Glu330Lys (NM_001375258.1); c.424G>A, p.Glu142Lys (NM_001375259.1, NM_001375260.1); short protein forms E142K, E330K, E374K.
Identifiers: ClinVar variation 4527298 (VCV004527298.1).